The following is an entry in ClinVar:

NM_004589.4(SCO1):c.763_765del (p.Asp255del)

Gene: SCO1 (synthesis of cytochrome C oxidase 1; minus strand). Cytogenetic location: 17p13.1.
Variant type: Deletion.
Coding change: c.763_765del on transcript NM_004589.4 (MANE Select); coding-DNA positions 763 to 765, 3 bases deleted (GAC; older notation c.763_765delGAC).
Protein change: p.Asp255del; deletes aspartic acid 255.
Molecular consequence: inframe deletion.
Genome position (GRCh38, 1-based): chr17:10,686,733-10,686,735, GTC deleted on the plus strand (GAC on the coding strand, the reverse complement: SCO1 is on the minus strand). VCF-style (leftmost placement, unchanged base first): chr17-10686732-AGTC-A. GRCh37 (hg19) VCF-style: chr17-10590049-AGTC-A.
Other names: short protein forms D255del.
Identifiers: ClinVar variation 1380909 (VCV001380909.8), dbSNP rs2151454203, ClinGen allele CA2573153027.

ClinVar aggregate classification (germline): Uncertain significance (1 of 4 stars; one submission).

Submission:

Labcorp Genetics (formerly Invitae), Labcorp
Classification: Uncertain significance. Last evaluated: 2024-10-24. Review status: criteria provided, single submitter. Criteria: Invitae Variant Classification Sherloc (09022015). Collection method: clinical testing. Allele origin: germline.
Comment: This variant, c.763_765del, results in the deletion of 1 amino acid(s) of the SCO1 protein (p.Asp255del), but otherwise preserves the integrity of the reading frame. This variant is not present in population databases (gnomAD no frequency). This variant has not been reported in the literature in individuals affected with SCO1-related conditions. ClinVar contains an entry for this variant (Variation ID: 1380909). Experimental studies and prediction algorithms are not available or were not evaluated, and the functional significance of this variant is currently unknown. In summary, the available evidence is currently insufficient to determine the role of this variant in disease. Therefore, it has been classified as a Variant of Uncertain Significance.